The following is an entry in ClinVar:

ClinVar aggregate classification (germline): Uncertain significance (1 of 4 stars; one submission).

Conditions:
Familial acute necrotizing encephalopathy (IIAE3). Also called: ENCEPHALOPATHY, ACUTE, INFECTION-INDUCED, SUSCEPTIBILITY TO, 3; Susceptibility to Acute Necrotizing Encephalopathy 1. Identifiers: Orphanet 88619, MedGen C2675556, MONDO:0011953, OMIM 608033.

Submission:

Labcorp Genetics (formerly Invitae), Labcorp
Classification: Uncertain significance for Familial acute necrotizing encephalopathy. Last evaluated: 2023-01-25. Review status: criteria provided, single submitter. Criteria: Invitae Variant Classification Sherloc (09022015). Collection method: clinical testing. Allele origin: germline.
Comment: In summary, the available evidence is currently insufficient to determine the role of this variant in disease. Therefore, it has been classified as a Variant of Uncertain Significance. Variants that disrupt the consensus splice site are a relatively common cause of aberrant splicing (PMID: 17576681, 9536098). Algorithms developed to predict the effect of sequence changes on RNA splicing suggest that this variant is not likely to affect RNA splicing. ClinVar contains an entry for this variant (Variation ID: 1479810). This variant has not been reported in the literature in individuals affected with RANBP2-related conditions. This variant is not present in population databases (gnomAD no frequency). This sequence change falls in intron 12 of the RANBP2 gene. It does not directly change the encoded amino acid sequence of the RANBP2 protein. It affects a nucleotide within the consensus splice site.

Literature cited by the submitters: PubMed 17576681; PubMed 9536098.

NM_006267.5(RANBP2):c.1756-3T>A

Gene: RANBP2 (RAN binding protein 2; plus strand). Cytogenetic location: 2q13.
Variant type: single nucleotide variant.
Coding change: c.1756-3T>A on transcript NM_006267.5 (MANE Select); 3 bases into the intron before coding-DNA position 1756, T replaced by A.
Molecular consequence: intron variant.
Genome position (GRCh38, 1-based): chr2:108,752,995, T>A. VCF-style: chr2-108752995-T-A. GRCh37 (hg19) VCF-style: chr2-109369451-T-A.
Identifiers: ClinVar variation 1479810 (VCV001479810.6), dbSNP rs2149229897, ClinGen allele CA2573133006.